The following is an entry in ClinVar:

ClinVar aggregate classification (germline): Likely benign. Review status: criteria provided, single submitter (1 of 4 stars). 2 submissions from 2 submitters: Likely benign (1). 1 of the submissions does not count toward it. Last evaluated 2025-06-12.

Conditions:
FBN3-related disorder. Also called: FBN3-related condition.

Allele frequency attached by ClinVar (database versions not stated): gnomAD 0.00136 and 0.00140; TOPMed 0.00150; ESP Exome Variant Server 0.00215; 1000 Genomes Project 30x 0.00234; 1000 Genomes Project 0.00280.
gnomAD v4.1: 457 of 1,614,122 alleles (0.028%); highest among the groups gnomAD compares: African/African-American, 0.46%; no homozygotes.

Submissions (2):

Labcorp Genetics (formerly Invitae), Labcorp
Classification: Likely benign. Last evaluated: 2025-06-12. Review status: criteria provided, single submitter. Criteria: Invitae Variant Classification Sherloc (09022015). Collection method: clinical testing. Allele origin: germline.

PreventionGenetics, part of Exact Sciences
Classification: Likely benign for FBN3-related condition. Last evaluated: 2023-01-05. Review status: no assertion criteria provided. Collection method: clinical testing. Allele origin: germline. Not counted in ClinVar's aggregate classification.
Comment: This variant is classified as likely benign based on ACMG/AMP sequence variant interpretation guidelines (Richards et al. 2015 PMID: 25741868, with internal and published modifications).

NM_032447.5(FBN3):c.836G>A (p.Arg279Gln)

Gene: FBN3 (fibrillin 3; minus strand). Cytogenetic location: 19p13.2.
Variant type: single nucleotide variant.
Coding change: c.836G>A on transcript NM_032447.5 (MANE Select); coding-DNA position 836, G replaced by A.
Protein change: p.Arg279Gln; replaces arginine 279 with glutamine.
Molecular consequence: missense variant.
Genome position (GRCh38, 1-based): chr19:8,141,746, C>T on the plus strand (G>A on the coding strand, the complement: FBN3 is on the minus strand). VCF-style: chr19-8141746-C-T. GRCh37 (hg19) VCF-style: chr19-8206630-C-T.
Other names: c.836G>A, p.Arg279Gln (NM_001321431.2); c.836G>A (NM_001321431.1); short protein forms R279Q.
Identifiers: ClinVar variation 781425 (VCV000781425.11), dbSNP rs78406953, ClinGen allele CA9153578.
Genomic context (GRCh38, chr19:8,141,746, plus strand): 5'-GGTCTCAGGTTGTCCCCCTCCAGTCACCCACCTTCACATGCGGCGCTGCTGTCACTGAGC[C>T]GGTGTCCAACTGGACAGCGGCAATGGAAGGAGCCCACCATGTTGACGCAGCTGCCTCCCT-3'
Protein context (NP_115823.3, residues 269-289): SFHCRCPVGH[Arg279Gln]LSDSSAACED